The following is an entry in ClinVar:

ClinVar aggregate classification (germline): Uncertain significance. Review status: criteria provided, multiple submitters, no conflicts (2 of 4 stars). 2 submissions from 2 submitters: Uncertain significance (2). Last evaluated 2025-05-26.

Conditions:
Myofibrillar myopathy 5. Also called: Filaminopathy (type); FILAMINOPATHY, AUTOSOMAL DOMINANT. Identifiers: Orphanet 171445, MedGen C1836050, MONDO:0012289, OMIM 609524.
Distal myopathy with posterior leg and anterior hand involvement. Also called: WILLIAMS DISTAL MYOPATHY. Identifiers: Orphanet 63273, MedGen C3279722, MONDO:0013550, OMIM 614065.
Hypertrophic cardiomyopathy 26. Also called: Cardiomyopathy, familial hypertrophic, 26. Identifiers: Orphanet 75249, MedGen C4310749, MONDO:0014883, OMIM 617047.
Cardiovascular phenotype. Identifiers: MedGen CN230736.

Allele frequency attached by ClinVar (database versions not stated): gnomAD exomes below 0.00001; TOPMed below 0.00001; gnomAD 0.00001.
gnomAD v4.1: 5 of 1,613,120 alleles (0.00031%); highest among the groups gnomAD compares: African/African-American, 0.0013%; no homozygotes.

Submissions (2):

Ambry Genetics
Classification: Uncertain significance for Cardiovascular phenotype. Last evaluated: 2025-05-26. Review status: criteria provided, single submitter. Criteria: Ambry Variant Classification Scheme 2023. Collection method: clinical testing. Allele origin: germline.
Comment: The p.H2000Q variant (also known as c.6000C>G), located in coding exon 36 of the FLNC gene, results from a C to G substitution at nucleotide position 6000. The histidine at codon 2000 is replaced by glutamine, an amino acid with highly similar properties. This amino acid position is conserved. In addition, the in silico prediction for this alteration is inconclusive. Since supporting evidence is limited at this time, the clinical significance of this alteration remains unclear.

Labcorp Genetics (formerly Invitae), Labcorp
Classification: Uncertain significance for Distal myopathy with posterior leg and anterior hand involvement; Myofibrillar myopathy 5; Hypertrophic cardiomyopathy 26. Last evaluated: 2022-03-08. Review status: criteria provided, single submitter. Criteria: Invitae Variant Classification Sherloc (09022015). Collection method: clinical testing. Allele origin: germline.
Comment: In summary, the available evidence is currently insufficient to determine the role of this variant in disease. Therefore, it has been classified as a Variant of Uncertain Significance. Algorithms developed to predict the effect of sequence changes on RNA splicing suggest that this variant may create or strengthen a splice site. Algorithms developed to predict the effect of missense changes on protein structure and function are either unavailable or do not agree on the potential impact of this missense change (SIFT: "Tolerated"; PolyPhen-2: "Probably Damaging"; Align-GVGD: "Class C0"). ClinVar contains an entry for this variant (Variation ID: 999193). This variant has not been reported in the literature in individuals affected with FLNC-related conditions. This variant is not present in population databases (gnomAD no frequency). This sequence change replaces histidine, which is basic and polar, with glutamine, which is neutral and polar, at codon 2000 of the FLNC protein (p.His2000Gln).

NM_001458.5(FLNC):c.6000C>G (p.His2000Gln)

Genes: FLNC (filamin C; plus strand), FLNC-AS1 (FLNC antisense RNA 1; minus strand). Cytogenetic location: 7q32.1.
Variant type: single nucleotide variant.
Coding change: c.6000C>G on transcript NM_001458.5 (MANE Select); coding-DNA position 6000, C replaced by G.
Protein change: p.His2000Gln; replaces histidine 2000 with glutamine.
Molecular consequence: missense variant.
Genome position (GRCh38, 1-based): chr7:128,852,748, C>G. VCF-style: chr7-128852748-C-G. GRCh37 (hg19) VCF-style: chr7-128492802-C-G.
Other names: c.5901C>G, p.His1967Gln (NM_001127487.2); short protein forms H1967Q, H2000Q.
Identifiers: ClinVar variation 999193 (VCV000999193.12), dbSNP rs1254027067, ClinGen allele CA369210809.